The following is an entry in ClinVar:

ClinVar aggregate classification (germline): Uncertain significance (1 of 4 stars; one submission).

Allele frequency attached by ClinVar (database versions not stated): gnomAD exomes below 0.00001.
gnomAD v4.1: 1 of 1,611,628 alleles (0.000062%); highest among the groups gnomAD compares: Non-Finnish European, 0.000085%; no homozygotes.

Submission:

Labcorp Genetics (formerly Invitae), Labcorp
Classification: Uncertain significance. Last evaluated: 2024-08-05. Review status: criteria provided, single submitter. Criteria: Invitae Variant Classification Sherloc (09022015). Collection method: clinical testing. Allele origin: germline.
Comment: This sequence change replaces glycine, which is neutral and non-polar, with aspartic acid, which is acidic and polar, at codon 305 of the RSPRY1 protein (p.Gly305Asp). This variant is not present in population databases (gnomAD no frequency). This variant has not been reported in the literature in individuals affected with RSPRY1-related conditions. ClinVar contains an entry for this variant (Variation ID: 1930374). Advanced modeling of protein sequence and biophysical properties (such as structural, functional, and spatial information, amino acid conservation, physicochemical variation, residue mobility, and thermodynamic stability) performed at Invitae indicates that this missense variant is not expected to disrupt RSPRY1 protein function with a negative predictive value of 80%. In summary, the available evidence is currently insufficient to determine the role of this variant in disease. Therefore, it has been classified as a Variant of Uncertain Significance.

NM_133368.3(RSPRY1):c.914G>A (p.Gly305Asp)

Gene: RSPRY1 (ring finger and SPRY domain containing 1; plus strand). Cytogenetic location: 16q13.
Variant type: single nucleotide variant.
Coding change: c.914G>A on transcript NM_133368.3 (MANE Select); coding-DNA position 914, G replaced by A.
Protein change: p.Gly305Asp; replaces glycine 305 with aspartic acid.
Molecular consequence: missense variant.
Genome position (GRCh38, 1-based): chr16:57,220,744, G>A. VCF-style: chr16-57220744-G-A. GRCh37 (hg19) VCF-style: chr16-57254656-G-A.
Other names: c.914G>A, p.Gly305Asp (NM_001305163.2, NM_001305164.2); short protein forms G305D.
Identifiers: ClinVar variation 1930374 (VCV001930374.5), dbSNP rs2545884356, ClinGen allele CA396017456.